The following is an entry in ClinVar:

NM_003019.5(SFTPD):c.918T>C (p.Ala306=)

Gene: SFTPD (surfactant protein D; minus strand). Cytogenetic location: 10q22.3.
Variant type: single nucleotide variant.
Coding change: c.918T>C on transcript NM_003019.5 (MANE Select); coding-DNA position 918, T replaced by C.
Protein change: p.Ala306=; no amino-acid change (alanine 306 retained).
Molecular consequence: synonymous variant.
Genome position (GRCh38, 1-based): chr10:79,938,062, A>G on the plus strand (T>C on the coding strand, the complement: SFTPD is on the minus strand). VCF-style: chr10-79938062-A-G. GRCh37 (hg19) VCF-style: chr10-81697818-A-G.
Identifiers: ClinVar variation 178808 (VCV000178808.6), dbSNP rs1051246, ClinGen allele CA214548.

ClinVar aggregate classification (germline): Benign. Review status: criteria provided, multiple submitters, no conflicts (2 of 4 stars). 2 submissions from 2 submitters: Benign (2). Last evaluated 2013-02-21.

Allele frequency attached by ClinVar (database versions not stated): gnomAD exomes 0.13281 and 0.15698; gnomAD 0.16694 and 0.16660; 1000 Genomes Project 30x 0.17879; TOPMed 0.18366; ESP Exome Variant Server 0.16792; ExAC 0.15350; 1000 Genomes Project 0.17452.
gnomAD v4.1: 220,852 of 1,613,872 alleles (14%); highest among the groups gnomAD compares: Admixed American, 29%; 17,397 homozygotes.

Submissions (2):

Laboratory for Molecular Medicine, Mass General Brigham Personalized Medicine
Classification: Benign. Last evaluated: 2013-02-21. Review status: criteria provided, single submitter. Criteria: LMM Criteria. Collection method: clinical testing. Allele origin: germline. Observed: 37 variant alleles.
Comment: Ala306Ala in exon 8 of SFTPD: This variant is not expected to have clinical sign ificance because it does not alter an amino acid residue and is not located with in the splice consensus sequence. It has been identified in 22.9% (1010/4406) of African American chromosomes from a broad population by the NHLBI Exome Sequenc ing Project (dbSNP rs1051246).

Breakthrough Genomics
Classification: Benign. Review status: criteria provided, single submitter. Criteria: ACMG Guidelines, 2015. Collection method: not provided. Allele origin: germline. Inheritance: Unknown mechanism. Affected: yes.